The following is an entry in ClinVar:

NM_000532.5(PCCB):c.1235G>A (p.Gly412Asp)

Gene: PCCB (propionyl-CoA carboxylase subunit beta; plus strand). Cytogenetic location: 3q22.3.
Variant type: single nucleotide variant.
Coding change: c.1235G>A on transcript NM_000532.5 (MANE Select); coding-DNA position 1235, G replaced by A.
Protein change: p.Gly412Asp; replaces glycine 412 with aspartic acid.
Molecular consequence: missense variant.
Genome position (GRCh38, 1-based): chr3:136,327,191, G>A. VCF-style: chr3-136327191-G-A. GRCh37 (hg19) VCF-style: chr3-136046033-G-A.
Other names: c.1235G>A (NM_000532.4); c.1295G>A, p.Gly432Asp (NM_001178014.2); short protein forms G432D, G412D.
Identifiers: ClinVar variation 1466924 (VCV001466924.8), dbSNP rs994386938, ClinGen allele CA83820040.

ClinVar aggregate classification (germline): Uncertain significance. Review status: criteria provided, multiple submitters, no conflicts (2 of 4 stars). 2 submissions from 2 submitters: Uncertain significance (2). Last evaluated 2024-04-08.

Conditions:
Inborn genetic diseases. Identifiers: MedGen C0950123, MeSH D030342.
Propionic acidemia (PROP). Also called: GLYCINEMIA, KETOTIC; HYPERGLYCINEMIA WITH KETOACIDOSIS AND LEUKOPENIA; KETOTIC HYPERGLYCINEMIA. Identifiers: Orphanet 35, MedGen C0268579, MONDO:0011628, OMIM 606054, HP:0003571.

Allele frequency attached by ClinVar (database versions not stated): gnomAD exomes below 0.00001; TOPMed 0.00001.

Submissions (2):

Ambry Genetics
Classification: Uncertain significance for Inborn genetic diseases. Last evaluated: 2024-04-08. Review status: criteria provided, single submitter. Criteria: Ambry Variant Classification Scheme 2023. Collection method: clinical testing. Allele origin: germline.

Labcorp Genetics (formerly Invitae), Labcorp
Classification: Uncertain significance for Propionic acidemia. Last evaluated: 2022-01-21. Review status: criteria provided, single submitter. Criteria: Invitae Variant Classification Sherloc (09022015). Collection method: clinical testing. Allele origin: germline.
Comment: In summary, the available evidence is currently insufficient to determine the role of this variant in disease. Therefore, it has been classified as a Variant of Uncertain Significance. Advanced modeling of protein sequence and biophysical properties (such as structural, functional, and spatial information, amino acid conservation, physicochemical variation, residue mobility, and thermodynamic stability) performed at Invitae indicates that this missense variant is expected to disrupt PCCB protein function. This sequence change replaces glycine, which is neutral and non-polar, with aspartic acid, which is acidic and polar, at codon 412 of the PCCB protein (p.Gly412Asp). This variant is not present in population databases (gnomAD no frequency). This variant has not been reported in the literature in individuals affected with PCCB-related conditions.